The following is an entry in ClinVar:

ClinVar aggregate classification (germline): Uncertain significance. Review status: criteria provided, multiple submitters, no conflicts (2 of 4 stars). 2 submissions from 2 submitters: Uncertain significance (2). Last evaluated 2025-11-03.

Conditions:
Inborn genetic diseases. Identifiers: MedGen C0950123, MeSH D030342.
Mosaic variegated aneuploidy syndrome 2 (MVA2). Identifiers: Orphanet 1052, MedGen C3279843, MONDO:0013582, OMIM 614114.

Allele frequency attached by ClinVar (database versions not stated): gnomAD 0.00001; TOPMed 0.00002.
gnomAD v4.1: 11 of 1,613,782 alleles (0.00068%); highest among the groups gnomAD compares: East Asian, 0.0089%; no homozygotes.

Submissions (2):

Labcorp Genetics (formerly Invitae), Labcorp
Classification: Uncertain significance for Mosaic variegated aneuploidy syndrome 2. Last evaluated: 2025-11-03. Review status: criteria provided, single submitter. Criteria: Invitae Variant Classification Sherloc (09022015). Collection method: clinical testing. Allele origin: germline.
Comment: This sequence change replaces glycine, which is neutral and non-polar, with cysteine, which is neutral and slightly polar, at codon 355 of the CEP57 protein (p.Gly355Cys). This variant is present in population databases (rs202115720, gnomAD 0.02%). This variant has not been reported in the literature in individuals affected with CEP57-related conditions. ClinVar contains an entry for this variant (Variation ID: 972339). Invitae Evidence Modeling of protein sequence and biophysical properties (such as structural, functional, and spatial information, amino acid conservation, physicochemical variation, residue mobility, and thermodynamic stability) indicates that this missense variant is not expected to disrupt CEP57 protein function with a negative predictive value of 80%. In summary, the available evidence is currently insufficient to determine the role of this variant in disease. Therefore, it has been classified as a Variant of Uncertain Significance.

Ambry Genetics
Classification: Uncertain significance for Inborn genetic diseases. Last evaluated: 2024-11-25. Review status: criteria provided, single submitter. Criteria: Ambry Variant Classification Scheme 2023. Collection method: clinical testing. Allele origin: germline.
Comment: The p.G355C variant (also known as c.1063G>T), located in coding exon 9 of the CEP57 gene, results from a G to T substitution at nucleotide position 1063. The glycine at codon 355 is replaced by cysteine, an amino acid with highly dissimilar properties. This amino acid position is conserved. In addition, this alteration is predicted to be tolerated by in silico analysis. Based on the available evidence, the clinical significance of this variant remains unclear.

NM_014679.5(CEP57):c.1063G>T (p.Gly355Cys)

Gene: CEP57 (centrosomal protein 57; plus strand). Cytogenetic location: 11q21.
Variant type: single nucleotide variant.
Coding change: c.1063G>T on transcript NM_014679.5 (MANE Select); coding-DNA position 1063, G replaced by T.
Protein change: p.Gly355Cys; replaces glycine 355 with cysteine.
Molecular consequence: missense variant.
Genome position (GRCh38, 1-based): chr11:95,827,963, G>T. VCF-style: chr11-95827963-G-T. GRCh37 (hg19) VCF-style: chr11-95561127-G-T.
Other names: c.1036G>T, p.Gly346Cys (NM_001243776.2); c.985G>T, p.Gly329Cys (NM_001243777.2); c.982G>T, p.Gly328Cys (NM_001363604.2); short protein forms G346C, G328C, G329C, G355C.
Identifiers: ClinVar variation 972339 (VCV000972339.9), dbSNP rs202115720, ClinGen allele CA6239674.